The following is an entry in ClinVar:

ClinVar aggregate classification (germline): Uncertain significance (1 of 4 stars; one submission).

Conditions:
Developmental and epileptic encephalopathy, 33 (DEE33). Also called: Epileptic encephalopathy, early infantile, 33. Identifiers: Orphanet 442835, MedGen C4225337, MONDO:0014625, OMIM 616409.

Submissions (2):

Labcorp Genetics (formerly Invitae), Labcorp
Classification: Uncertain significance for Developmental and epileptic encephalopathy, 33. Last evaluated: 2024-10-17. Review status: criteria provided, single submitter. Criteria: Invitae Variant Classification Sherloc (09022015). Collection method: clinical testing. Allele origin: germline.
Comment: This sequence change affects a donor splice site in intron 3 of the EEF1A2 gene. It is expected to disrupt RNA splicing. Variants that disrupt the donor or acceptor splice site typically lead to a loss of protein function (PMID: 16199547), however the current clinical and genetic evidence is not sufficient to establish whether loss-of-function variants in EEF1A2 cause disease. This variant is not present in population databases (gnomAD no frequency). This variant has not been reported in the literature in individuals affected with EEF1A2-related conditions. Algorithms developed to predict the effect of sequence changes on RNA splicing suggest that this variant may disrupt the consensus splice site. In summary, the available evidence is currently insufficient to determine the role of this variant in disease. Therefore, it has been classified as a Variant of Uncertain Significance.

Dr. Peter K. Rogan Lab, Western University
No classification provided (evidence only). Condition: Thyroid cancer, nonmedullary, 1. Review status: no classification provided. Collection method: in vitro. Allele origin: not applicable. Functional consequence: retained intron. Not counted in ClinVar's aggregate classification.

Literature cited by the submitters: PubMed 16199547 (cited by Labcorp Genetics (formerly Invitae), Labcorp).

NM_001958.5(EEF1A2):c.324+2T>G

Gene: EEF1A2 (eukaryotic translation elongation factor 1 alpha 2; minus strand). Cytogenetic location: 20q13.33.
Variant type: single nucleotide variant.
Coding change: c.324+2T>G on transcript NM_001958.5 (MANE Select); the canonical splice donor site of the intron after coding-DNA position 324, T replaced by G.
Molecular consequence: splice donor variant.
Genome position (GRCh38, 1-based): chr20:63,495,854, A>C on the plus strand (T>G on the coding strand, the complement: EEF1A2 is on the minus strand). VCF-style: chr20-63495854-A-C. GRCh37 (hg19) VCF-style: chr20-62127207-A-C.
Identifiers: ClinVar variation 2828265 (VCV002828265.4), dbSNP rs113570888, ClinGen allele CA409651109.
Genomic context (GRCh38, chr20:63,495,854, plus strand): 5'-CCAGTGTCCCTTGAAGGGTGCAGCGGCCTCTCCCCCAGCCCCGCCTGCTGTGCCCTGCTC[A>C]CCTGGGATGTACCCGTGATCATGTTCTTGATGAAGTCGCGGTGGCCGGGGGCATCGATGA-3'